The following is an entry in ClinVar:

ClinVar aggregate classification (germline): Uncertain significance (1 of 4 stars; one submission).

gnomAD v4.1: 1 of 1,608,414 alleles (0.000062%); highest among the groups gnomAD compares: South Asian, 0.0011%; no homozygotes.

Submission:

Labcorp Genetics (formerly Invitae), Labcorp
Classification: Uncertain significance. Last evaluated: 2023-11-19. Review status: criteria provided, single submitter. Criteria: Invitae Variant Classification Sherloc (09022015). Collection method: clinical testing. Allele origin: germline.
Comment: This sequence change replaces arginine, which is basic and polar, with lysine, which is basic and polar, at codon 230 of the JAK1 protein (p.Arg230Lys). This variant is not present in population databases (gnomAD no frequency). This variant has not been reported in the literature in individuals affected with JAK1-related conditions. Advanced modeling of protein sequence and biophysical properties (such as structural, functional, and spatial information, amino acid conservation, physicochemical variation, residue mobility, and thermodynamic stability) performed at Invitae indicates that this missense variant is not expected to disrupt JAK1 protein function with a negative predictive value of 80%. In summary, the available evidence is currently insufficient to determine the role of this variant in disease. Therefore, it has been classified as a Variant of Uncertain Significance.

NM_002227.4(JAK1):c.689G>A (p.Arg230Lys)

Gene: JAK1 (Janus kinase 1; minus strand). Cytogenetic location: 1p31.3.
Variant type: single nucleotide variant.
Coding change: c.689G>A on transcript NM_002227.4 (MANE Select); coding-DNA position 689, G replaced by A.
Protein change: p.Arg230Lys; replaces arginine 230 with lysine.
Molecular consequence: missense variant.
Genome position (GRCh38, 1-based): chr1:64,867,167, C>T on the plus strand (G>A on the coding strand, the complement: JAK1 is on the minus strand). VCF-style: chr1-64867167-C-T. GRCh37 (hg19) VCF-style: chr1-65332850-C-T.
Other names: c.689G>A, p.Arg230Lys (NM_001320923.2, NM_001321852.2, NM_001321853.2 and 4 more transcripts); short protein forms R230K.
Identifiers: ClinVar variation 2751470 (VCV002751470.3), dbSNP rs2524256911, ClinGen allele CA340676160.